The following is an entry in ClinVar:

NM_199069.2(NDUFAF3):c.438+11G>A

Gene: NDUFAF3 (NADH:ubiquinone oxidoreductase complex assembly factor 3; plus strand). Cytogenetic location: 3p21.31.
Variant type: single nucleotide variant.
Coding change: c.438+11G>A on transcript NM_199069.2 (MANE Select); 11 bases into the intron after coding-DNA position 438, G replaced by A.
Molecular consequence: intron variant.
Genome position (GRCh38, 1-based): chr3:49,022,987, G>A. VCF-style: chr3-49022987-G-A. GRCh37 (hg19) VCF-style: chr3-49060420-G-A.
Other names: c.267+11G>A (NM_199074.2, NM_199073.2, NM_199070.2).
Identifiers: ClinVar variation 392137 (VCV000392137.8), dbSNP rs760718651, ClinGen allele CA2390310.

ClinVar aggregate classification (germline): Likely benign. Review status: criteria provided, multiple submitters, no conflicts (2 of 4 stars). 2 submissions from 2 submitters: Likely benign (2). Last evaluated 2022-07-12.

Allele frequency attached by ClinVar (database versions not stated): TOPMed below 0.00001; gnomAD 0.00001; gnomAD exomes 0.00002; ExAC 0.00004.

Submissions (2):

Labcorp Genetics (formerly Invitae), Labcorp
Classification: Likely benign. Last evaluated: 2022-07-12. Review status: criteria provided, single submitter. Criteria: Invitae Variant Classification Sherloc (09022015). Collection method: clinical testing. Allele origin: germline.

GeneDx
Classification: Likely benign. Last evaluated: 2016-12-21. Review status: criteria provided, single submitter. Criteria: GeneDx Variant Classification (06012015). Collection method: clinical testing. Allele origin: germline. Affected: yes.
Comment: This variant is considered likely benign or benign based on one or more of the following criteria: it is a conservative change, it occurs at a poorly conserved position in the protein, it is predicted to be benign by multiple in silico algorithms, and/or has population frequency not consistent with disease.